The following is an entry in ClinVar:

ClinVar aggregate classification (germline): Conflicting classifications of pathogenicity. Review status: criteria provided, conflicting classifications (1 of 4 stars). 4 submissions from 4 submitters: Uncertain significance (2); Likely benign (2). Last evaluated 2026-05-26.

Conditions:
Usher syndrome type 3B. Also called: USHER SYNDROME, TYPE IIIB. Identifiers: MedGen C3281066, MONDO:0013788, OMIM 614504.
HARS1-related disorder. Also called: HARS1-related condition.

Allele frequency attached by ClinVar (database versions not stated): gnomAD exomes 0.00003 and 0.00009; ExAC 0.00008; ESP Exome Variant Server 0.00008; gnomAD 0.00009 and 0.00010; TOPMed 0.00025.
gnomAD v4.1: 52 of 1,605,780 alleles (0.0032%); highest among the groups gnomAD compares: Admixed American, 0.043%; no homozygotes.

Submissions (5):

PreventionGenetics, part of Exact Sciences
Classification: Uncertain significance for HARS1-related condition. Last evaluated: 2026-05-26. Review status: criteria provided, single submitter. Criteria: ACMG Guidelines, 2015. Collection method: clinical testing. Allele origin: germline.
Comment: The HARS1 c.615C>T variant is not predicted to result in an amino acid change (p.=). This variant is predicted to alter splicing based on available splicing prediction programs (SpliceAI, Jaganathan et al. 2019. PubMed ID: 30661751). However, the use of computer prediction programs is not equivalent to functional evidence. To our knowledge, this variant has not been reported in the literature. This variant is reported in 0.026% of alleles in individuals of Latino descent in gnomAD. At this time, the clinical significance of this variant is uncertain due to the absence of conclusive functional and genetic evidence.

Labcorp Genetics (formerly Invitae), Labcorp
Classification: Likely benign for Usher syndrome type 3B. Last evaluated: 2025-11-03. Review status: criteria provided, single submitter. Criteria: Invitae Variant Classification Sherloc (09022015). Collection method: clinical testing. Allele origin: germline.

Blueprint Genetics
Classification: Likely benign. Last evaluated: 2024-09-17. Review status: criteria provided, single submitter. Criteria: ACMG Guidelines, 2015. Collection method: clinical testing. Allele origin: germline.

GeneDx
Classification: Uncertain significance. Last evaluated: 2024-08-05. Review status: criteria provided, single submitter. Criteria: GeneDx Variant Classification Process June 2021. Collection method: clinical testing. Allele origin: germline. Affected: yes.
Comment: Has not been previously published as pathogenic or benign to our knowledge; In silico analysis suggests this variant may impact gene splicing; in the absence of RNA/functional studies, the actual effect of this sequence change is unknown

Dr. Peter K. Rogan Lab, Western University
No classification provided (evidence only). Condition: Hepatocellular carcinoma. Review status: no classification provided. Collection method: in vitro. Allele origin: not applicable. Functional consequence: skipped exon, retained intron. Not counted in ClinVar's aggregate classification.

NM_002109.6(HARS1):c.615C>T (p.Gly205=)

Gene: HARS1 (histidyl-tRNA synthetase 1; minus strand). Cytogenetic location: 5q31.3.
Variant type: single nucleotide variant.
Coding change: c.615C>T on transcript NM_002109.6 (MANE Select); coding-DNA position 615, C replaced by T.
Protein change: p.Gly205=; no amino-acid change (glycine 205 retained).
Molecular consequence: synonymous variant.
Genome position (GRCh38, 1-based): chr5:140,677,923, G>A on the plus strand (C>T on the coding strand, the complement: HARS1 is on the minus strand). VCF-style: chr5-140677923-G-A. GRCh37 (hg19) VCF-style: chr5-140057508-G-A.
Other names: c.495C>T, p.Gly165= (NM_001258040.3); c.555C>T, p.Gly185= (NM_001258041.3); c.435C>T, p.Gly145= (NM_001258042.3); c.393C>T, p.Gly131= (NM_001289092.2); c.273C>T, p.Gly91= (NM_001289093.2); c.528C>T, p.Gly176= (NM_001289094.2).
Identifiers: ClinVar variation 1112786 (VCV001112786.18), dbSNP rs371470801, ClinGen allele CA3444058.